The following is an entry in ClinVar:

NM_000264.5(PTCH1):c.3306G>A (p.Leu1102=)

Gene: PTCH1 (patched 1; minus strand). Cytogenetic location: 9q22.32.
Variant type: single nucleotide variant.
Coding change: c.3306G>A on transcript NM_000264.5 (MANE Select); coding-DNA position 3306, G replaced by A.
Protein change: p.Leu1102=; no amino-acid change (leucine 1102 retained).
Molecular consequence: synonymous variant. On other transcripts: non-coding transcript variant (1).
Genome position (GRCh38, 1-based): chr9:95,456,276, C>T on the plus strand (G>A on the coding strand, the complement: PTCH1 is on the minus strand). VCF-style: chr9-95456276-C-T. GRCh37 (hg19) VCF-style: chr9-98218558-C-T.
Other names: c.3108G>A, p.Leu1036= (NM_001083602.3); c.3303G>A, p.Leu1101= (NM_001083603.3); c.2853G>A, p.Leu951= (NM_001083604.3, NM_001083605.3, NM_001083606.3 and 1 more transcripts); c.3150G>A, p.Leu1050= (NM_001354918.2).
Identifiers: ClinVar variation 582352 (VCV000582352.9), dbSNP rs1564017035, ClinGen allele CA466109024.

ClinVar aggregate classification (germline): Uncertain significance (1 of 4 stars; one submission).

Conditions:
Gorlin syndrome. Also called: Basal cell nevus syndrome; Nevoid Basal Cell Carcinoma Syndrome. Identifiers: Orphanet 377, MedGen C0004779, MONDO:0007187.

Submission:

Labcorp Genetics (formerly Invitae), Labcorp
Classification: Uncertain significance for Gorlin syndrome. Last evaluated: 2018-05-21. Review status: criteria provided, single submitter. Criteria: Invitae Variant Classification Sherloc (09022015). Collection method: clinical testing. Allele origin: germline.
Comment: In summary, the available evidence is currently insufficient to determine the role of this variant in disease. Therefore, it has been classified as a Variant of Uncertain Significance. Nucleotide substitutions within the consensus splice site are a relatively common cause of aberrant splicing (PMID: 17576681, 9536098). Algorithms developed to predict the effect of sequence changes on RNA splicing suggest that this variant may disrupt the consensus splice site, but this prediction has not been confirmed by published transcriptional studies. This variant is not present in population databases (ExAC no frequency). This sequence change affects codon 1102 of the PTCH1 mRNA. It is a 'silent' change, meaning that it does not change the encoded amino acid sequence of the PTCH1 protein. This variant also falls at the last nucleotide of exon 19 of the PTCH1 coding sequence, which is part of the consensus splice site for this exon.

Literature cited by the submitters: PubMed 17576681; PubMed 9536098.